The following is an entry in ClinVar:

ClinVar aggregate classification (germline): Uncertain significance (1 of 4 stars; one submission).

Allele frequency attached by ClinVar (database versions not stated): TOPMed below 0.00001; gnomAD exomes 0.00002.
gnomAD v4.1: 25 of 1,614,130 alleles (0.0015%); highest among the groups gnomAD compares: Admixed American, 0.0033%; no homozygotes.

Submission:

Labcorp Genetics (formerly Invitae), Labcorp
Classification: Uncertain significance. Last evaluated: 2025-10-02. Review status: criteria provided, single submitter. Criteria: Invitae Variant Classification Sherloc (09022015). Collection method: clinical testing. Allele origin: germline.
Comment: This sequence change replaces threonine, which is neutral and polar, with methionine, which is neutral and non-polar, at codon 666 of the SON protein (p.Thr666Met). This variant is present in population databases (no rsID available, gnomAD 0.007%). This variant has not been reported in the literature in individuals affected with SON-related conditions. ClinVar contains an entry for this variant (Variation ID: 2854355). An algorithm developed to predict the effect of missense changes on protein structure and function (PolyPhen-2) suggests that this variant is likely to be disruptive. In summary, the available evidence is currently insufficient to determine the role of this variant in disease. Therefore, it has been classified as a Variant of Uncertain Significance.

NM_138927.4(SON):c.1997C>T (p.Thr666Met)

Gene: SON (SON DNA and RNA binding protein; plus strand). Cytogenetic location: 21q22.11.
Variant type: single nucleotide variant.
Coding change: c.1997C>T on transcript NM_138927.4 (MANE Select); coding-DNA position 1997, C replaced by T.
Protein change: p.Thr666Met; replaces threonine 666 with methionine.
Molecular consequence: missense variant. On other transcripts: non-coding transcript variant (1), intron variant (1).
Genome position (GRCh38, 1-based): chr21:33,551,228, C>T. VCF-style: chr21-33551228-C-T. GRCh37 (hg19) VCF-style: chr21-34923534-C-T.
Other names: c.1997C>T, p.Thr666Met (NM_001291411.2, NM_001412133.1, NM_032195.3 and 2 more transcripts); c.244+4849C>T (NM_001291412.3); short protein forms T666M.
Identifiers: ClinVar variation 2854355 (VCV002854355.3), dbSNP rs1448822835, ClinGen allele CA410156654.
Genomic context (GRCh38, chr21:33,551,228, plus strand): 5'-TGGCAACTGTGGCGCTGGAGATCTCTGTTCAGTCTGTGGTGACAACATCGGAGCTGTCAA[C>T]GATGACCGTGTCGCAGTCCCTGGAGGTGCCCTCGACGACAGCGCTGGAATCCTATAATAC-3'
Protein context (NP_620305.3, residues 656-676): QSVVTTSELS[Thr666Met]MTVSQSLEVP